The following is an entry in ClinVar:

ClinVar aggregate classification (germline): Likely pathogenic (1 of 4 stars; one submission).

Conditions:
Dilated cardiomyopathy 1G (CMD1G). Identifiers: Orphanet 154, MedGen C1858763, MONDO:0011400, OMIM 604145.
Autosomal recessive limb-girdle muscular dystrophy type 2J (LGMDR10). Also called: Limb-girdle muscular dystrophy, type 2J; MUSCULAR DYSTROPHY, LIMB-GIRDLE, AUTOSOMAL RECESSIVE 10. Identifiers: Orphanet 140922, MedGen C1837342, MONDO:0012127, OMIM 608807.

Submission:

Labcorp Genetics (formerly Invitae), Labcorp
Classification: Likely pathogenic for Dilated cardiomyopathy 1G; Autosomal recessive limb-girdle muscular dystrophy type 2J. Last evaluated: 2025-06-08. Review status: criteria provided, single submitter. Criteria: Invitae Variant Classification Sherloc (09022015). Collection method: clinical testing. Allele origin: germline.
Comment: This sequence change creates a premature translational stop signal (p.Asp21900Glyfs*40) in the TTN gene. While this is not anticipated to result in nonsense mediated decay, it is expected to create a truncated TTN protein. This variant is not present in population databases (gnomAD no frequency). This premature translational stop signal has been observed in individual(s) with dilated cardiomyopathy (PMID: 35653365). ClinVar contains an entry for this variant (Variation ID: 3749353). This variant is located in the A band of TTN (PMID: 25589632). Truncating variants in this region are significantly overrepresented in patients affected with dilated cardiomyopathy (PMID: 25589632). Truncating variants in this region have also been reported in individuals affected with autosomal recessive centronuclear myopathy (PMID: 23975875). In summary, the currently available evidence indicates that the variant is pathogenic, but additional data are needed to prove that conclusively. Therefore, this variant has been classified as Likely Pathogenic.

Literature cited by the submitters: PubMed 35653365; PubMed 25589632; PubMed 23975875.

NM_001267550.2(TTN):c.65698dup (p.Asp21900fs)

Genes: TTN (titin; minus strand), TTN-AS1 (TTN antisense RNA 1; plus strand). Cytogenetic location: 2q31.2.
Variant type: Duplication.
Coding change: c.65698dup on transcript NM_001267550.2 (MANE Select); coding-DNA position 65698, one base duplicated (G; older notation c.65698dupG).
Protein change: p.Asp21900fs; shifts the reading frame from aspartic acid 21900.
Molecular consequence: frameshift variant. On other transcripts: non-coding transcript variant (1).
Genome position (GRCh38, 1-based): chr2:178,583,105, C duplicated on the plus strand (G on the coding strand, the reverse complement: TTN is on the minus strand). VCF-style (leftmost placement, unchanged base first): chr2-178583104-T-TC. GRCh37 (hg19) VCF-style: chr2-179447831-T-TC.
Other names: c.60775dup, p.Asp20259fs (NM_001256850.1); c.38503dup, p.Asp12835fs (NM_003319.4); c.57994dup, p.Asp19332fs (NM_133378.4); c.38878dup, p.Asp12960fs (NM_133432.3); c.39079dup, p.Asp13027fs (NM_133437.4); short protein forms D12835fs, D12960fs, D13027fs, D19332fs, D20259fs, D21900fs.
Identifiers: ClinVar variation 3749353 (VCV003749353.2).
Genomic context (GRCh38, chr2:178,583,104, plus strand): 5'-GTGCACAGATTCCGCTGCATGGCCATCTTTATGCCTTCTGCTGGTTTTAGCAGTGTGCCA[T>TC]CTTTTTTCCAAGAAACTGTTGGCATCGGTTTACCAAAAACAGTAGCATCCAAGCAGACAT-3'